The following is an entry in ClinVar:

NM_000444.6(PHEX):c.1302+4_1302+10del

Gene: PHEX (phosphate regulating endopeptidase X-linked; plus strand). Cytogenetic location: Xp22.11.
Variant type: Deletion.
Coding change: c.1302+4_1302+10del on transcript NM_000444.6 (MANE Select); bases 4 to 10 of the intron after coding-DNA position 1302, 7 bases deleted (AGTGGTA; older notation c.1302+4_1302+10delAGTGGTA).
Molecular consequence: splice donor variant.
Genome position (GRCh38, 1-based): chrX:22,114,590-22,114,596, AGTGGTA deleted; deleting any 7 consecutive bases within chrX:22,114,585-22,114,596 gives the same sequence; the c. name uses the placement nearest the transcript's 3' end. VCF-style (leftmost placement, unchanged base first): chrX-22114584-ATGGTAAG-A. GRCh37 (hg19) VCF-style: chrX-22132702-ATGGTAAG-A.
Other names: c.1302+4_1302+10del (NM_001282754.2).
Identifiers: ClinVar variation 1039497 (VCV001039497.8), dbSNP rs1931151383, ClinGen allele CA2419174873.

ClinVar aggregate classification (germline): Likely pathogenic (1 of 4 stars; one submission).

Submission:

Labcorp Genetics (formerly Invitae), Labcorp
Classification: Likely pathogenic. Last evaluated: 2021-06-11. Review status: criteria provided, single submitter. Criteria: Invitae Variant Classification Sherloc (09022015). Collection method: clinical testing. Allele origin: germline.
Comment: In summary, the currently available evidence indicates that the variant is pathogenic, but additional data are needed to prove that conclusively. Therefore, this variant has been classified as Likely Pathogenic. Nucleotide substitutions within the consensus splice site are a relatively common cause of aberrant splicing (PMID: 17576681, 9536098). Algorithms developed to predict the effect of sequence changes on RNA splicing suggest that this variant may disrupt the consensus splice site, but this prediction has not been confirmed by published transcriptional studies. This variant has been observed in individual(s) with hypophosphatemia (Invitae). It has also been observed to segregate with disease in related individuals. This variant is not present in population databases (ExAC no frequency). This sequence change falls in intron 11 of the PHEX gene. It does not directly change the encoded amino acid sequence of the PHEX protein. It affects a nucleotide within the consensus splice site of the intron.

Literature cited by the submitters: PubMed 17576681; PubMed 9536098.